The following is an entry in ClinVar:

ClinVar aggregate classification (germline): Conflicting classifications of pathogenicity. Review status: criteria provided, conflicting classifications (1 of 4 stars). 2 submissions from 2 submitters: Uncertain significance (1); Likely benign (1). Last evaluated 2025-09-10.

Submissions (2):

Labcorp Genetics (formerly Invitae), Labcorp
Classification: Likely benign. Last evaluated: 2025-09-10. Review status: criteria provided, single submitter. Criteria: Invitae Variant Classification Sherloc (09022015). Collection method: clinical testing. Allele origin: germline.

GeneDx
Classification: Uncertain significance. Last evaluated: 2020-10-15. Review status: criteria provided, single submitter. Criteria: GeneDx Variant Classification Process June 2021. Collection method: clinical testing. Allele origin: germline. Affected: yes.
Comment: Not observed at a significant frequency in large population cohorts (Lek et al., 2016); Has not been previously published as pathogenic or benign to our knowledge; In-silico analysis, which includes splice predictors and evolutionary conservation, is inconclusive as to whether the variant alters gene splicing. In the absence of RNA/functional studies, the actual effect of this sequence change is unknown.

NM_001349338.3(FOXP1):c.665-7_665-4del

Gene: FOXP1 (forkhead box P1; minus strand). Cytogenetic location: 3p13.
Variant type: Microsatellite.
Coding change: c.665-7_665-4del on transcript NM_001349338.3 (MANE Select); 7 bases into the intron before coding-DNA position 665 through 4 bases into the intron before coding-DNA position 665, 4 bases deleted (GTTT; older notation c.665-7_665-4delGTTT).
Molecular consequence: intron variant.
Genome position (GRCh38, 1-based): chr3:71,041,536-71,041,539, AAAC deleted on the plus strand (GTTT on the coding strand, the reverse complement: FOXP1 is on the minus strand); deleting any 4 consecutive bases within chr3:71,041,536-71,041,546 gives the same sequence; the c. name uses the placement nearest the transcript's 3' end. VCF-style (leftmost placement, unchanged base first): chr3-71041535-GAAAC-G. GRCh37 (hg19) VCF-style: chr3-71090686-GAAAC-G.
Other names: c.665-7_665-4del (NM_001244810.2, NM_032682.6, NM_001349340.3 and 3 more transcripts); c.662-7_662-4del (NM_001349341.3); c.437-7_437-4del (NM_001244812.3); c.362-7_362-4del (NM_001349343.3, NM_001349337.2, NM_001349344.3); c.365-7_365-4del (NM_001349342.3, NM_001370548.1, NM_001244815.2 and 1 more transcripts).
Identifiers: ClinVar variation 1313311 (VCV001313311.6), dbSNP rs1453915867, ClinGen allele CA543854305.
Genomic context (GRCh38, chr3:71,041,535, plus strand): 5'-GCAGTATGAGCACTTGTCACTTCTTTCCAGAGCTGCTGCAGTTCTGTTGGAATCATGCCT[GAAAC>G]AAACAAATTGGATAATTAAATCAATTAACAGCTAATTCCGTCCTCTTCAAACAGCAATTA-3'